The following is an entry in ClinVar:

ClinVar aggregate classification (germline): Uncertain significance (1 of 4 stars; one submission).

Conditions:
Neu-Laxova syndrome 2. Identifiers: Orphanet 2671, Orphanet 583602, MedGen C4015019, MONDO:0014466, OMIM 616038.

Submission:

Victorian Clinical Genetics Services, Murdoch Childrens Research Institute
Classification: Uncertain significance for Neu-Laxova syndrome 2. Last evaluated: 2020-10-19. Review status: criteria provided, single submitter. Criteria: ACMG Guidelines, 2015. Collection method: clinical testing. Allele origin: germline. Inheritance: Autosomal recessive inheritance.
Comment: Based on the classification scheme VCGS_Germline_v1.3.3, this variant is classified as 3A-VUS. Following criteria are met: 0102 - Loss of function is a known mechanism of disease in this gene and is associated with Neu-Laxova syndrome 2 (MIM#616038). (I) 0106 - This gene is associated with autosomal recessive disease. (I) 0200 - Variant is predicted to result in a missense amino acid change from histidine to leucine. (I) 0251 - This variant is heterozygous. (I) 0219 - This variant is non-coding in an alternative transcript. However, it is protein coding in the predominantly used and longest transcript (UCSC, ClinVar). (I) 0301 - Variant is absent from gnomAD (both v2 and v3). (SP) 0309 - An alternative amino acid change at the same position has been observed in gnomAD (v2) (2 heterozygotes, 0 homozygotes). (I) 0501 - Missense variant consistently predicted to be damaging by multiple in silico tools or highly conserved with a major amino acid change. (SP) 0600 - Variant is located in the annotated e-cofactor binding pocket (NCBI) within the aminotransferase class-V domain (PDB). (I) 0705 - No comparable missense variants have previous evidence for pathogenicity. (I) 0807 - This variant has no previous evidence of pathogenicity. (I) 0905 - No published segregation evidence has been identified for this variant. (I) 1007 - No published functional evidence has been identified for this variant. (I) 1201 - Heterozygous variant detected in trans with a second pathogenic heterozygous variant (p.(Ala99Val)) in a recessive disease. (I) Legend: (SP) - Supporting pathogenic, (I) - Information, (SB) - Supporting benign

NM_058179.4(PSAT1):c.1004A>T (p.His335Leu)

Gene: PSAT1 (phosphoserine aminotransferase 1; plus strand). Cytogenetic location: 9q21.2.
Variant type: single nucleotide variant.
Coding change: c.1004A>T on transcript NM_058179.4 (MANE Select); coding-DNA position 1004, A replaced by T.
Protein change: p.His335Leu; replaces histidine 335 with leucine.
Molecular consequence: missense variant. On other transcripts: intron variant (1).
Genome position (GRCh38, 1-based): chr9:78,328,185, A>T. VCF-style: chr9-78328185-A-T. GRCh37 (hg19) VCF-style: chr9-80943101-A-T.
Other names: c.870-796A>T (NM_021154.5); short protein forms H335L.
Identifiers: ClinVar variation 1806330 (VCV001806330.1), dbSNP rs778387460, ClinGen allele CA373861611.
Genomic context (GRCh38, chr9:78,328,185, plus strand): 5'-CTTTAGAAAAAAGATTTCTTGATAAAGCTCTTGAACTCAATATGTTGTCCTTGAAAGGGC[A>T]TAGGTGAGTACATCTGCAATGCACGAGCTTGGCAAAGAATTAGCTTAGTTTTTCAAATGC-3'
Protein context (NP_478059.1, residues 325-345): LELNMLSLKG[His335Leu]RSVGGIRASL